The following is an entry in ClinVar:

NM_001846.4(COL4A2):c.2902+3A>T

Gene: COL4A2 (collagen type IV alpha 2 chain; plus strand). Cytogenetic location: 13q34.
Variant type: single nucleotide variant.
Coding change: c.2902+3A>T on transcript NM_001846.4 (MANE Select); 3 bases into the intron after coding-DNA position 2902, A replaced by T.
Molecular consequence: intron variant.
Genome position (GRCh38, 1-based): chr13:110,482,662, A>T. VCF-style: chr13-110482662-A-T. GRCh37 (hg19) VCF-style: chr13-111135009-A-T.
Identifiers: ClinVar variation 3008194 (VCV003008194.3), dbSNP rs372961760, ClinGen allele CA7050022.
Genomic context (GRCh38, chr13:110,482,662, plus strand): 5'-GCTGGATTTTTCGGAATACCCGGTCTGAAGGGTCTGGCTGGTGAGCCAGGTTTTAAAGGT[A>T]TGTCCCTCTCTTAACATCCTCCTTACCTGGTCATGGTGGCATCCTCCTTACCCTTTCTTG-3'

ClinVar aggregate classification (germline): Uncertain significance (1 of 4 stars; one submission).

Allele frequency attached by ClinVar (database versions not stated): ExAC 0.00001; gnomAD 0.00004; TOPMed 0.00004; ESP Exome Variant Server 0.00008.

Submission:

Labcorp Genetics (formerly Invitae), Labcorp
Classification: Uncertain significance. Last evaluated: 2023-10-27. Review status: criteria provided, single submitter. Criteria: Invitae Variant Classification Sherloc (09022015). Collection method: clinical testing. Allele origin: germline.
Comment: This sequence change falls in intron 32 of the COL4A2 gene. It does not directly change the encoded amino acid sequence of the COL4A2 protein. It affects a nucleotide within the consensus splice site. This variant is present in population databases (rs372961760, gnomAD 0.007%). This variant has not been reported in the literature in individuals affected with COL4A2-related conditions. Variants that disrupt the consensus splice site are a relatively common cause of aberrant splicing (PMID: 17576681, 9536098). Algorithms developed to predict the effect of sequence changes on RNA splicing suggest that this variant may disrupt the consensus splice site. In summary, the available evidence is currently insufficient to determine the role of this variant in disease. Therefore, it has been classified as a Variant of Uncertain Significance.

Literature cited by the submitters: PubMed 17576681; PubMed 9536098.